The following is an entry in ClinVar:

ClinVar aggregate classification (germline): Uncertain significance (1 of 4 stars; one submission).

Conditions:
Loeys-Dietz syndrome (LDS). Identifiers: Orphanet 60030, MedGen C2697932, MONDO:0018954.

Submission:

All of Us Research Program, National Institutes of Health
Classification: Uncertain significance for Loeys-Dietz syndrome. Last evaluated: 2024-04-16. Review status: criteria provided, single submitter. Criteria: ACMG Guidelines, 2015. Collection method: clinical testing. Allele origin: germline. Inheritance: Autosomal dominant inheritance. Observed: 1 variant allele, 1 heterozygote.
Comment: This missense variant replaces glutamic acid with valine at codon 319 of the TGFBR1 protein. Computational prediction suggests that this variant may have deleterious impact on protein structure and function (internally defined REVEL score threshold >= 0.7, PMID: 27666373). To our knowledge, functional studies have not been reported for this variant. This variant has not been reported in individuals affected with TGFBR1-related disorders in the literature. This variant has not been identified in the general population by the Genome Aggregation Database (gnomAD). The available evidence is insufficient to determine the role of this variant in disease conclusively. Therefore, this variant is classified as a Variant of Uncertain Significance.

This study involves interpretation of variants in research participants for the purpose of population health screening. Participant phenotype was not available at the time of variant classification. Additional details can be found in publication PMID: 35346344, PMCID: PMC8962531

NM_004612.4(TGFBR1):c.956A>T (p.Glu319Val)

Gene: TGFBR1 (transforming growth factor beta receptor 1; plus strand). Cytogenetic location: 9q22.33.
Variant type: single nucleotide variant.
Coding change: c.956A>T on transcript NM_004612.4 (MANE Select); coding-DNA position 956, A replaced by T.
Protein change: p.Glu319Val; replaces glutamic acid 319 with valine.
Molecular consequence: missense variant. On other transcripts: non-coding transcript variant (4), intron variant (2).
Genome position (GRCh38, 1-based): chr9:99,142,686, A>T. VCF-style: chr9-99142686-A-T. GRCh37 (hg19) VCF-style: chr9-101904968-A-T.
Other names: c.725A>T, p.Glu242Val (NM_001130916.3, NM_001407435.1); c.968A>T, p.Glu323Val (NM_001306210.2); c.761A>T, p.Glu254Val (NM_001407418.1, NM_001407419.1, NM_001407420.1 and 1 more transcripts); c.749A>T, p.Glu250Val (NM_001407423.1, NM_001407424.1, NM_001407425.1 and 8 more transcripts); c.710A>T, p.Glu237Val (NM_001407436.1); c.248A>T, p.Glu83Val (NM_001407437.1); c.479A>T, p.Glu160Val (NM_001407438.1); c.818-2046A>T (NM_001407416.1); and 1 more; short protein forms E160V, E237V, E242V, E250V, E254V, E319V, E323V, E83V.
Identifiers: ClinVar variation 3386046 (VCV003386046.1).